The following is an entry in ClinVar:

NM_001374736.1(DST):c.16478G>A (p.Arg5493His)

Gene: DST (dystonin; minus strand). Cytogenetic location: 6p12.1.
Variant type: single nucleotide variant.
Coding change: c.16478G>A on transcript NM_001374736.1 (MANE Select); coding-DNA position 16478, G replaced by A.
Protein change: p.Arg5493His; replaces arginine 5493 with histidine.
Molecular consequence: missense variant.
Genome position (GRCh38, 1-based): chr6:56,552,314, C>T on the plus strand (G>A on the coding strand, the complement: DST is on the minus strand). VCF-style: chr6-56552314-C-T. GRCh37 (hg19) VCF-style: chr6-56417112-C-T.
Other names: c.10121G>A, p.Arg3374His (NM_001144769.5); c.9707G>A, p.Arg3236His (NM_001144770.2); c.16478G>A, p.Arg5493His (NM_001374722.1); c.15845G>A, p.Arg5282His (NM_001374729.1); c.9587G>A, p.Arg3196His (NM_001374730.1, NM_183380.4); c.16505G>A, p.Arg5502His (NM_001374734.1); c.8609G>A, p.Arg2870His (NM_015548.5); c.10121G>A (NM_001144769.2); short protein forms R5282H, R2870H, R5493H, R3236H, R5502H, R3196H, R3374H.
Identifiers: ClinVar variation 971829 (VCV000971829.9), dbSNP rs754436072, ClinGen allele CA3867676.

ClinVar aggregate classification (germline): Uncertain significance. Review status: criteria provided, multiple submitters, no conflicts (2 of 4 stars). 2 submissions from 2 submitters: Uncertain significance (2). Last evaluated 2023-01-30.

Conditions:
Inborn genetic diseases. Identifiers: MedGen C0950123, MeSH D030342.
Epidermolysis bullosa simplex 3, localized or generalized intermediate, with BP230 deficiency (EBS3). Also called: Epidermolysis bullosa simplex, autosomal recessive 2; Epidermolysis bullosa simplex due to BP230 deficiency. Identifiers: Orphanet 412181, MedGen C3809470, MONDO:0014180, OMIM 615425.
Hereditary sensory and autonomic neuropathy type 6. Also called: Neuropathy, hereditary sensory and autonomic, type VI; HSAN VI. Identifiers: Orphanet 314381, MedGen C3539003, MONDO:0013839, OMIM 614653.

Allele frequency attached by ClinVar (database versions not stated): TOPMed 0.00001.
gnomAD v4.1: 18 of 1,613,928 alleles (0.0011%); highest among the groups gnomAD compares: East Asian, 0.0045%; no homozygotes.

Submissions (2):

Ambry Genetics
Classification: Uncertain significance for Inborn genetic diseases. Last evaluated: 2023-01-30. Review status: criteria provided, single submitter. Criteria: Ambry Variant Classification Scheme 2023. Collection method: clinical testing. Allele origin: germline.

Labcorp Genetics (formerly Invitae), Labcorp
Classification: Uncertain significance for Epidermolysis bullosa simplex 3, localized or generalized intermediate, with BP230 deficiency; Hereditary sensory and autonomic neuropathy type 6. Last evaluated: 2022-07-15. Review status: criteria provided, single submitter. Criteria: Invitae Variant Classification Sherloc (09022015). Collection method: clinical testing. Allele origin: germline.
Comment: The DST gene has multiple clinically relevant transcripts. This variant occurs in alternate transcript NM_015548.4, and corresponds to NM_001723.5:c.*63203G>A in the primary transcript. This sequence change replaces arginine, which is basic and polar, with histidine, which is basic and polar, at codon 2870 of the DST protein (p.Arg2870His). This variant is present in population databases (rs754436072, gnomAD 0.006%). This variant has not been reported in the literature in individuals affected with DST-related conditions. Experimental studies and prediction algorithms are not available or were not evaluated, and the functional significance of this variant is currently unknown. In summary, the available evidence is currently insufficient to determine the role of this variant in disease. Therefore, it has been classified as a Variant of Uncertain Significance.